The following is an entry in ClinVar:

NM_000531.6(OTC):c.270T>G (p.Ser90Arg)

Gene: OTC (ornithine transcarbamylase; plus strand). Cytogenetic location: Xp11.4.
Variant type: single nucleotide variant.
Coding change: c.270T>G on transcript NM_000531.6 (MANE Select); coding-DNA position 270, T replaced by G.
Protein change: p.Ser90Arg; replaces serine 90 with arginine.
Molecular consequence: missense variant.
Genome position (GRCh38, 1-based): chrX:38,369,849, T>G. VCF-style: chrX-38369849-T-G. GRCh37 (hg19) VCF-style: chrX-38229102-T-G.
Other names: short protein forms S90R.
Identifiers: ClinVar variation 97148 (VCV000097148.2), dbSNP rs72554342, ClinGen allele CA224526.

ClinVar aggregate classification (germline): Pathogenic (0 of 4 stars; one submission).

Submission:

GenMed Metabolism Lab
Classification: Pathogenic. Review status: no assertion criteria provided. Collection method: not provided. Allele origin: unknown.
ClinVar note: Converted during submission from pathogenic to Pathogenic.